The following is an entry in ClinVar:

ClinVar aggregate classification (germline): Uncertain significance (1 of 4 stars; one submission).

Allele frequency attached by ClinVar (database versions not stated): TOPMed below 0.00001.

Submission:

Labcorp Genetics (formerly Invitae), Labcorp
Classification: Uncertain significance. Last evaluated: 2023-08-10. Review status: criteria provided, single submitter. Criteria: Invitae Variant Classification Sherloc (09022015). Collection method: clinical testing. Allele origin: germline.
Comment: In summary, the available evidence is currently insufficient to determine the role of this variant in disease. Therefore, it has been classified as a Variant of Uncertain Significance. Advanced modeling of protein sequence and biophysical properties (such as structural, functional, and spatial information, amino acid conservation, physicochemical variation, residue mobility, and thermodynamic stability) performed at Invitae indicates that this missense variant is not expected to disrupt MYO7A protein function. ClinVar contains an entry for this variant (Variation ID: 1364066). This variant has not been reported in the literature in individuals affected with MYO7A-related conditions. This variant is not present in population databases (gnomAD no frequency). This sequence change replaces isoleucine, which is neutral and non-polar, with phenylalanine, which is neutral and non-polar, at codon 1068 of the MYO7A protein (p.Ile1068Phe).

NM_000260.4(MYO7A):c.3202A>T (p.Ile1068Phe)

Gene: MYO7A (myosin VIIA; plus strand). Cytogenetic location: 11q13.5.
Variant type: single nucleotide variant.
Coding change: c.3202A>T on transcript NM_000260.4 (MANE Select); coding-DNA position 3202, A replaced by T.
Protein change: p.Ile1068Phe; replaces isoleucine 1068 with phenylalanine.
Molecular consequence: missense variant.
Genome position (GRCh38, 1-based): chr11:77,182,517, A>T. VCF-style: chr11-77182517-A-T. GRCh37 (hg19) VCF-style: chr11-76893562-A-T.
Other names: c.3202A>T, p.Ile1068Phe (NM_001127180.2); c.3169A>T, p.Ile1057Phe (NM_001369365.1); short protein forms I1057F, I1068F.
Identifiers: ClinVar variation 1364066 (VCV001364066.8), dbSNP rs1955326842, ClinGen allele CA381944853.